The following is an entry in ClinVar:

ClinVar aggregate classification (germline): Likely benign. Review status: criteria provided, multiple submitters, no conflicts (2 of 4 stars). 3 submissions from 3 submitters: Likely benign (2). 1 of the submissions does not count toward it. Last evaluated 2025-11-17.

Conditions:
SULF1-related disorder. Also called: SULF1-related condition.

Allele frequency attached by ClinVar (database versions not stated): ExAC 0.00004; gnomAD 0.00005; TOPMed 0.00006.
gnomAD v4.1: 31 of 1,613,982 alleles (0.0019%); highest among the groups gnomAD compares: Middle Eastern, 0.033%; 1 homozygote.

Submissions (3):

Ambry Genetics
Classification: Likely benign. Last evaluated: 2025-11-17. Review status: criteria provided, single submitter. Criteria: Ambry Variant Classification Scheme 2023. Collection method: clinical testing. Allele origin: germline.

Labcorp Genetics (formerly Invitae), Labcorp
Classification: Likely benign. Last evaluated: 2025-03-27. Review status: criteria provided, single submitter. Criteria: Invitae Variant Classification Sherloc (09022015). Collection method: clinical testing. Allele origin: germline.

PreventionGenetics, part of Exact Sciences
Classification: Likely benign for SULF1-related condition. Last evaluated: 2019-03-29. Review status: no assertion criteria provided. Collection method: clinical testing. Allele origin: germline. Not counted in ClinVar's aggregate classification.
Comment: This variant is classified as likely benign based on ACMG/AMP sequence variant interpretation guidelines (Richards et al. 2015 PMID: 25741868, with internal and published modifications).

NM_001128205.2(SULF1):c.2448G>A (p.Thr816=)

Gene: SULF1 (sulfatase 1; plus strand). Cytogenetic location: 8q13.3.
Variant type: single nucleotide variant.
Coding change: c.2448G>A on transcript NM_001128205.2 (MANE Select); coding-DNA position 2448, G replaced by A.
Protein change: p.Thr816=; no amino-acid change (threonine 816 retained).
Molecular consequence: synonymous variant. On other transcripts: missense variant (3), non-coding transcript variant (7).
Genome position (GRCh38, 1-based): chr8:69,638,755, G>A. VCF-style: chr8-69638755-G-A. GRCh37 (hg19) VCF-style: chr8-70550990-G-A.
Other names: c.2448G>A, p.Thr816= (NM_001412829.1, NM_001412830.1, NM_001412833.1 and 7 more transcripts); c.2391G>A, p.Thr797= (NM_001412836.1, NM_001412837.1); c.2319G>A, p.Thr773= (NM_001412838.1, NM_001412832.1, NM_001412839.1 and 1 more transcripts); c.2262G>A, p.Thr754= (NM_001412842.1, NM_001412841.1); c.2305G>A, p.Gly769Ser (NM_001412843.1, NM_001412850.1, NM_001412851.1); c.1848G>A, p.Thr616= (NM_001412844.1, NM_001412845.1); c.657G>A, p.Thr219= (NM_001412846.1); short protein forms G769S.
Identifiers: ClinVar variation 3043606 (VCV003043606.4), dbSNP rs775061008, ClinGen allele CA4776163.